The following is an entry in ClinVar:

NM_000593.6(TAP1):c.1543C>T (p.Arg515Cys)

Gene: TAP1 (transporter 1, ATP binding cassette subfamily B member; minus strand). Cytogenetic location: 6p21.32.
Variant type: single nucleotide variant.
Coding change: c.1543C>T on transcript NM_000593.6 (MANE Select); coding-DNA position 1543, C replaced by T.
Protein change: p.Arg515Cys; replaces arginine 515 with cysteine.
Molecular consequence: missense variant.
Genome position (GRCh38, 1-based): chr6:32,848,675, G>A on the plus strand (C>T on the coding strand, the complement: TAP1 is on the minus strand). VCF-style: chr6-32848675-G-A. GRCh37 (hg19) VCF-style: chr6-32816452-G-A.
Other names: c.940C>T, p.Arg314Cys (NM_001292022.2); short protein forms R314C, R515C.
Identifiers: ClinVar variation 2162845 (VCV002162845.3), dbSNP rs765271187, ClinGen allele CA3746764.

ClinVar aggregate classification (germline): Uncertain significance. Review status: criteria provided, multiple submitters, no conflicts (2 of 4 stars). 2 submissions from 2 submitters: Uncertain significance (2). Last evaluated 2022-11-16.

Conditions:
MHC class I deficiency. Identifiers: Orphanet 34592, MedGen C6024714, MONDO:0011476.

Allele frequency attached by ClinVar (database versions not stated): ExAC 0.00001; gnomAD 0.00003; TOPMed 0.00003; gnomAD exomes 0.00006.

Submissions (2):

Blueprint Genetics
Classification: Uncertain significance. Last evaluated: 2022-11-16. Review status: criteria provided, single submitter. Criteria: ACMG Guidelines, 2015. Collection method: clinical testing. Allele origin: germline.

Labcorp Genetics (formerly Invitae), Labcorp
Classification: Uncertain significance for MHC class I deficiency 1. Last evaluated: 2022-08-04. Review status: criteria provided, single submitter. Criteria: Invitae Variant Classification Sherloc (09022015). Collection method: clinical testing. Allele origin: germline.
Comment: In summary, the available evidence is currently insufficient to determine the role of this variant in disease. Therefore, it has been classified as a Variant of Uncertain Significance. Algorithms developed to predict the effect of missense changes on protein structure and function are either unavailable or do not agree on the potential impact of this missense change (SIFT: "Deleterious"; PolyPhen-2: "Possibly Damaging"; Align-GVGD: "Class C0"). This variant has not been reported in the literature in individuals affected with TAP1-related conditions. This variant is present in population databases (rs765271187, gnomAD 0.009%). This sequence change replaces arginine, which is basic and polar, with cysteine, which is neutral and slightly polar, at codon 575 of the TAP1 protein (p.Arg575Cys).